The following is an entry in ClinVar:

NM_000092.5(COL4A4):c.1733G>T (p.Gly578Val)

Gene: COL4A4 (collagen type IV alpha 4 chain; minus strand). Cytogenetic location: 2q36.3.
Variant type: single nucleotide variant.
Coding change: c.1733G>T on transcript NM_000092.5 (MANE Select); coding-DNA position 1733, G replaced by T.
Protein change: p.Gly578Val; replaces glycine 578 with valine.
Molecular consequence: missense variant.
Genome position (GRCh38, 1-based): chr2:227,080,513, C>A on the plus strand (G>T on the coding strand, the complement: COL4A4 is on the minus strand). VCF-style: chr2-227080513-C-A. GRCh37 (hg19) VCF-style: chr2-227945229-C-A.
Other names: short protein forms G578V.
Identifiers: ClinVar variation 2203272 (VCV002203272.4), dbSNP rs2474787238, ClinGen allele CA350847184.

ClinVar aggregate classification (germline): Pathogenic (1 of 4 stars; one submission).

Submission:

Labcorp Genetics (formerly Invitae), Labcorp
Classification: Pathogenic. Last evaluated: 2022-02-01. Review status: criteria provided, single submitter. Criteria: Invitae Variant Classification Sherloc (09022015). Collection method: clinical testing. Allele origin: germline.
Comment: For these reasons, this variant has been classified as Pathogenic. Advanced modeling of protein sequence and biophysical properties (such as structural, functional, and spatial information, amino acid conservation, physicochemical variation, residue mobility, and thermodynamic stability) performed at Invitae indicates that this missense variant is expected to disrupt COL4A4 protein function. This missense change has been observed in individual(s) with Alport syndrome (PMID: 24633401, 27281700). In at least one individual the data is consistent with being in trans (on the opposite chromosome) from a pathogenic variant. This variant is not present in population databases (gnomAD no frequency). This sequence change replaces glycine, which is neutral and non-polar, with valine, which is neutral and non-polar, at codon 578 of the COL4A4 protein (p.Gly578Val).

Literature cited by the submitters: PubMed 24633401; PubMed 27281700.